The following is an entry in ClinVar:

NM_006514.4(SCN10A):c.41G>T (p.Arg14Leu)

Gene: SCN10A (sodium voltage-gated channel alpha subunit 10; minus strand). Cytogenetic location: 3p22.2.
Variant type: single nucleotide variant.
Coding change: c.41G>T on transcript NM_006514.4 (MANE Select); coding-DNA position 41, G replaced by T.
Protein change: p.Arg14Leu; replaces arginine 14 with leucine.
Molecular consequence: missense variant.
Genome position (GRCh38, 1-based): chr3:38,793,970, C>A on the plus strand (G>T on the coding strand, the complement: SCN10A is on the minus strand). VCF-style: chr3-38793970-C-A. GRCh37 (hg19) VCF-style: chr3-38835461-C-A.
Other names: p.Arg14Leu; c.41G>T, p.Arg14Leu (NM_001293306.2, NM_001293307.2); short protein forms R14L.
Identifiers: ClinVar variation 414623 (VCV000414623.45), dbSNP rs141207048, ClinGen allele CA2321315.

ClinVar aggregate classification (germline): Benign/Likely benign. Review status: criteria provided, multiple submitters, no conflicts (2 of 4 stars). 11 submissions from 11 submitters: Benign (2); Likely benign (9). Last evaluated 2026-09-21.

Conditions:
Episodic pain syndrome, familial, 2 (FEPS2). Identifiers: Orphanet 306577, MedGen C3809893, MONDO:0014246, OMIM 615551.
Brugada syndrome 1 (BRGDA1). Also called: RIGHT BUNDLE BRANCH BLOCK, ST SEGMENT ELEVATION, AND SUDDEN DEATH SYNDROME. Identifiers: Orphanet 130, MedGen C4551804, MONDO:0011001, OMIM 601144.
Cardiovascular phenotype. Identifiers: MedGen CN230736.
Brugada syndrome. Also called: Sudden unexplained nocturnal death syndrome; Sudden Unexplained Death Syndrome; Sudden Unexplained Nocturnal Death Syndrome (SUNDS); Sudden unexpected nocturnal death syndrome. Identifiers: Orphanet 130, MedGen C1142166, MONDO:0015263.
SCN10A-related disorder. Also called: SCN10A-related condition.

Allele frequency attached by ClinVar (database versions not stated): 1000 Genomes Project 30x 0.00094; 1000 Genomes Project 0.00120; TOPMed 0.00169; ESP Exome Variant Server 0.00215.
gnomAD v4.1: 4,285 of 1,613,936 alleles (0.27%); highest among the groups gnomAD compares: Non-Finnish European, 0.31%; 6 homozygotes.

Submissions (11):

PreventionGenetics, part of Exact Sciences
Classification: Likely benign for SCN10A-related condition. Last evaluated: 2026-09-21. Review status: criteria provided, single submitter. Criteria: ACMG Guidelines, 2015. Collection method: clinical testing. Allele origin: germline.
Comment: This variant is classified as likely benign based on ACMG/AMP sequence variant interpretation guidelines (Richards et al. 2015 PMID: 25741868, with internal and published modifications).

CeGaT Center for Human Genetics Tuebingen
Classification: Benign. Last evaluated: 2026-08-01. Review status: criteria provided, single submitter. Criteria: CeGaT Center For Human Genetics Tuebingen Variant Classification Criteria Version 2. Collection method: clinical testing. Allele origin: germline. Affected: yes. Observed: 13 variant alleles.
Comment: SCN10A: BS1, BS2

Labcorp Genetics (formerly Invitae), Labcorp
Classification: Likely benign for Brugada syndrome. Last evaluated: 2026-02-01. Review status: criteria provided, single submitter. Criteria: Invitae Variant Classification Sherloc (09022015). Collection method: clinical testing. Allele origin: germline.

Blueprint Genetics
Classification: Likely benign. Last evaluated: 2024-11-21. Review status: criteria provided, single submitter. Criteria: ACMG Guidelines, 2015. Collection method: clinical testing. Allele origin: germline.

Women's Health and Genetics/Laboratory Corporation of America, LabCorp
Classification: Likely benign. Last evaluated: 2024-07-28. Review status: criteria provided, single submitter. Criteria: LabCorp Variant Classification Summary - May 2015. Collection method: clinical testing. Allele origin: germline.

GeneDx
Classification: Likely benign. Last evaluated: 2021-03-22. Review status: criteria provided, single submitter. Criteria: GeneDx Variant Classification Process June 2021. Collection method: clinical testing. Allele origin: germline. Affected: yes.
Comment: This variant is associated with the following publications: (PMID: 24998131, 25691686, 25691538, 26733327, 28589536, 27761160, 27200363, 27446933, 24998132, 27272739, 28407228, 27711072, 30662450, 30821013, 31539150)

Mendelics
Classification: Likely benign for Brugada syndrome 1. Last evaluated: 2019-05-28. Review status: criteria provided, single submitter. Criteria: Mendelics Assertion Criteria 2017. Collection method: clinical testing. Allele origin: unknown.

Ambry Genetics
Classification: Likely benign for Cardiovascular phenotype. Last evaluated: 2019-03-05. Review status: criteria provided, single submitter. Criteria: Ambry Variant Classification Scheme 2023. Collection method: clinical testing. Allele origin: germline.

Mayo Clinic Laboratories, Mayo Clinic
Classification: Benign. Last evaluated: 2019-02-18. Review status: criteria provided, single submitter. Criteria: ACMG Guidelines, 2015. Collection method: clinical testing. Allele origin: germline. Observed: 10 variant alleles.

Fulgent Genetics
Classification: Likely benign for Episodic pain syndrome, familial, 2. Last evaluated: 2018-10-31. Review status: criteria provided, single submitter. Criteria: ACMG Guidelines, 2015. Collection method: clinical testing. Allele origin: unknown.

Breakthrough Genomics
Classification: Likely benign. Review status: criteria provided, single submitter. Criteria: ACMG Guidelines, 2015. Collection method: not provided. Allele origin: germline. Inheritance: Autosomal dominant inheritance. Affected: yes.

Literature cited by the submitters: PubMed 24998131 (cited by Ambry Genetics); PubMed 25691538 (cited by Ambry Genetics); PubMed 25691686 (cited by Ambry Genetics); PubMed 27711072 (cited by Ambry Genetics); PubMed 28407228 (cited by Ambry Genetics).